The following is an entry in ClinVar:

ClinVar aggregate classification (germline): Pathogenic (1 of 4 stars; one submission).

Submission:

Labcorp Genetics (formerly Invitae), Labcorp
Classification: Pathogenic. Last evaluated: 2025-05-28. Review status: criteria provided, single submitter. Criteria: Invitae Variant Classification Sherloc (09022015). Collection method: clinical testing. Allele origin: germline.
Comment: This sequence change creates a premature translational stop signal (p.Gly238*) in the SLC9A3 gene. It is expected to result in an absent or disrupted protein product. Loss-of-function variants in SLC9A3 are known to be pathogenic (PMID: 26358773). This variant is not present in population databases (gnomAD no frequency). This variant has not been reported in the literature in individuals affected with SLC9A3-related conditions. For these reasons, this variant has been classified as Pathogenic.

Literature cited by the submitters: PubMed 26358773.

NM_004174.4(SLC9A3):c.712G>T (p.Gly238Ter)

Gene: SLC9A3 (solute carrier family 9 member A3). Cytogenetic location: 5p15.33.
Variant type: single nucleotide variant.
Coding change: c.712G>T on transcript NM_004174.4 (MANE Select); coding-DNA position 712, G replaced by T.
Protein change: p.Gly238Ter; replaces glycine 238 with a stop codon.
Molecular consequence: nonsense.
Genome position (GRCh38, 1-based): chr5:485,195, C>A on the plus strand (G>T on the coding strand, the complement: SLC9A3 is on the minus strand). VCF-style: chr5-485195-C-A. GRCh37 (hg19) VCF-style: chr5-485310-C-A.
Other names: c.712G>T, p.Gly238Ter (NM_001284351.3); short protein forms G238*.
Identifiers: ClinVar variation 4715548 (VCV004715548.1).